The following is an entry in ClinVar:

NM_144573.4(NEXN):c.620A>G (p.Asp207Gly)

Gene: NEXN (nexilin F-actin binding protein; plus strand). Cytogenetic location: 1p31.1.
Variant type: single nucleotide variant.
Coding change: c.620A>G on transcript NM_144573.4 (MANE Select); coding-DNA position 620, A replaced by G.
Protein change: p.Asp207Gly; replaces aspartic acid 207 with glycine.
Molecular consequence: missense variant.
Genome position (GRCh38, 1-based): chr1:77,926,544, A>G. VCF-style: chr1-77926544-A-G. GRCh37 (hg19) VCF-style: chr1-78392229-A-G.
Other names: c.428A>G, p.Asp143Gly (NM_001172309.2); short protein forms D207G, D143G.
Identifiers: ClinVar variation 520305 (VCV000520305.18), dbSNP rs570946423, ClinGen allele CA918690.

ClinVar aggregate classification (germline): Uncertain significance. Review status: criteria provided, multiple submitters, no conflicts (2 of 4 stars). 7 submissions from 7 submitters: Uncertain significance (5). 2 of the submissions do not count toward it. Last evaluated 2026-05-28.

Conditions:
NEXN-related disorder. Also called: NEXN-related condition; NEXN-related disorders.
Cardiovascular phenotype. Identifiers: MedGen CN230736.
Dilated cardiomyopathy 1CC (CMD1CC). Identifiers: Orphanet 154, MedGen C2751084, MONDO:0013147, OMIM 613122.
Hypertrophic cardiomyopathy 20. Identifiers: MedGen C3151267, MONDO:0013477, OMIM 613876.
Cardiomyopathy (CMYO). Also called: Cardiomyopathies. Identifiers: Orphanet 167848, MedGen C0878544, MONDO:0004994, HP:0001638. Inheritance: Various modes of inheritance.

Allele frequency attached by ClinVar (database versions not stated): gnomAD 0.00001; ExAC 0.00002; TOPMed 0.00002; gnomAD exomes 0.00003; 1000 Genomes Project 30x 0.00016; 1000 Genomes Project 0.00020.
gnomAD v4.1: 51 of 1,613,904 alleles (0.0032%); highest among the groups gnomAD compares: Middle Eastern, 0.13%; no homozygotes.

Submissions (7):

PreventionGenetics, part of Exact Sciences
Classification: Uncertain significance for NEXN-related condition. Last evaluated: 2026-05-28. Review status: criteria provided, single submitter. Criteria: ACMG Guidelines, 2015. Collection method: clinical testing. Allele origin: germline.
Comment: The NEXN c.620A>G variant is predicted to result in the amino acid substitution p.Asp207Gly. This variant has been reported in an individual with hypertrophic cardiomyopathy who also carried an additional variant in another cardiomyopathy related gene (Waldmüller et al. 2015. PubMed ID: 25979592). This variant is reported in 0.0058% of alleles in individuals of Latino descent in gnomAD. At this time, the clinical significance of this variant is uncertain due to the absence of conclusive functional and genetic evidence.

Ambry Genetics
Classification: Uncertain significance for Cardiovascular phenotype. Last evaluated: 2024-06-18. Review status: criteria provided, single submitter. Criteria: Ambry Variant Classification Scheme 2023. Collection method: clinical testing. Allele origin: germline.
Comment: The p.D207G variant (also known as c.620A>G), located in coding exon 6 of the NEXN gene, results from an A to G substitution at nucleotide position 620. The aspartic acid at codon 207 is replaced by glycine, an amino acid with similar properties. In one study, this alteration was detected in an individual with hypertrophic cardiomyopathy (HCM) who also had a variant in another cardiac-related gene (Waldm&uuml;ller S et al. Mol. Cell. Probes. 2015;29:308-14). This amino acid position is well conserved in available vertebrate species. In addition, this alteration is predicted to be tolerated by in silico analysis. Since supporting evidence is limited at this time, the clinical significance of this alteration remains unclear.

Labcorp Genetics (formerly Invitae), Labcorp
Classification: Uncertain significance for Dilated cardiomyopathy 1CC; Hypertrophic cardiomyopathy 20. Last evaluated: 2022-08-12. Review status: criteria provided, single submitter. Criteria: Invitae Variant Classification Sherloc (09022015). Collection method: clinical testing. Allele origin: germline.
Comment: In summary, the available evidence is currently insufficient to determine the role of this variant in disease. Therefore, it has been classified as a Variant of Uncertain Significance. Algorithms developed to predict the effect of sequence changes on RNA splicing suggest that this variant may create or strengthen a splice site. Algorithms developed to predict the effect of missense changes on protein structure and function are either unavailable or do not agree on the potential impact of this missense change (SIFT: "Deleterious"; PolyPhen-2: "Benign"; Align-GVGD: "Class C15"). ClinVar contains an entry for this variant (Variation ID: 520305). This missense change has been observed in individual(s) with hypertrophic cardiomyopathy (PMID: 25979592). This variant is present in population databases (rs570946423, gnomAD 0.006%). This sequence change replaces aspartic acid, which is acidic and polar, with glycine, which is neutral and non-polar, at codon 207 of the NEXN protein (p.Asp207Gly).

Fulgent Genetics
Classification: Uncertain significance for Dilated cardiomyopathy 1CC; Hypertrophic cardiomyopathy 20. Last evaluated: 2021-10-19. Review status: criteria provided, single submitter. Criteria: ACMG Guidelines, 2015. Collection method: clinical testing. Allele origin: unknown.

CHEO Genetics Diagnostic Laboratory, Children's Hospital of Eastern Ontario
Classification: Uncertain significance for Cardiomyopathy. Last evaluated: 2019-06-17. Review status: criteria provided, single submitter. Criteria: ACMG Guidelines, 2015. Collection method: clinical testing. Allele origin: germline.

Clinical Genetics, Academic Medical Center
Classification: Uncertain significance. Review status: no assertion criteria provided. Collection method: clinical testing. Allele origin: germline. Affected: yes. Study: VKGL Data-share Consensus. Not counted in ClinVar's aggregate classification.

Joint Genome Diagnostic Labs from Nijmegen and Maastricht, Radboudumc and MUMC+
Classification: Uncertain significance. Review status: no assertion criteria provided. Collection method: clinical testing. Allele origin: germline. Affected: yes. Study: VKGL Data-share Consensus. Not counted in ClinVar's aggregate classification.

Literature cited by the submitters: PubMed 25979592 (cited by Ambry Genetics and Labcorp Genetics (formerly Invitae), Labcorp).